The following is an entry in ClinVar:

NM_001267550.2(TTN):c.87193del (p.Asp29065fs)

Genes: TTN-AS1 (TTN antisense RNA 1; plus strand), TTN (titin; minus strand). Cytogenetic location: 2q31.2.
Variant type: Deletion.
Coding change: c.87193del on transcript NM_001267550.2 (MANE Select); coding-DNA position 87193, one base deleted (G; older notation c.87193delG).
Protein change: p.Asp29065fs; shifts the reading frame from aspartic acid 29065.
Molecular consequence: frameshift variant.
Genome position (GRCh38, 1-based): chr2:178,558,161, C deleted on the plus strand (G on the coding strand, the reverse complement: TTN is on the minus strand). VCF-style (leftmost placement, unchanged base first): chr2-178558160-TC-T. GRCh37 (hg19) VCF-style: chr2-179422887-TC-T.
Other names: c.82270del, p.Asp27424fs (NM_001256850.1); c.59998del, p.Asp20000fs (NM_003319.4); c.79489del, p.Asp26497fs (NM_133378.4); c.60373del, p.Asp20125fs (NM_133432.3); c.60574del, p.Asp20192fs (NM_133437.4); short protein forms D26497fs, D20000fs, D27424fs, D20125fs, D20192fs, D29065fs.
Identifiers: ClinVar variation 4786374 (VCV004786374.1).

ClinVar aggregate classification (germline): Likely pathogenic (1 of 4 stars; one submission).

Conditions:
Autosomal recessive limb-girdle muscular dystrophy type 2J (LGMDR10). Also called: Limb-girdle muscular dystrophy, type 2J; MUSCULAR DYSTROPHY, LIMB-GIRDLE, AUTOSOMAL RECESSIVE 10. Identifiers: Orphanet 140922, MedGen C1837342, MONDO:0012127, OMIM 608807.
Dilated cardiomyopathy 1G (CMD1G). Identifiers: Orphanet 154, MedGen C1858763, MONDO:0011400, OMIM 604145.

Submission:

Labcorp Genetics (formerly Invitae), Labcorp
Classification: Likely pathogenic for Dilated cardiomyopathy 1G; Autosomal recessive limb-girdle muscular dystrophy type 2J. Last evaluated: 2025-10-10. Review status: criteria provided, single submitter. Criteria: Invitae Variant Classification Sherloc (09022015). Collection method: clinical testing. Allele origin: germline.
Comment: This sequence change creates a premature translational stop signal (p.Asp29065Thrfs*12) in the TTN gene. While this is not anticipated to result in nonsense mediated decay, it is expected to create a truncated TTN protein. This variant is not present in population databases (gnomAD no frequency). This variant has not been reported in the literature in individuals affected with TTN-related conditions. This variant is located in the A band of TTN (PMID: 25589632). Truncating variants in this region are significantly overrepresented in patients affected with dilated cardiomyopathy (PMID: 25589632). Truncating variants in this region have also been reported in individuals affected with autosomal recessive centronuclear myopathy (PMID: 23975875). In summary, the currently available evidence indicates that the variant is pathogenic, but additional data are needed to prove that conclusively. Therefore, this variant has been classified as Likely Pathogenic.

Literature cited by the submitters: PubMed 25589632; PubMed 23975875.